The following is an entry in ClinVar:

NM_005475.3(SH2B3):c.176G>A (p.Arg59His)

Gene: SH2B3 (SH2B adaptor protein 3; plus strand). Cytogenetic location: 12q24.12.
Variant type: single nucleotide variant.
Coding change: c.176G>A on transcript NM_005475.3 (MANE Select); coding-DNA position 176, G replaced by A.
Protein change: p.Arg59His; replaces arginine 59 with histidine.
Molecular consequence: missense variant.
Genome position (GRCh38, 1-based): chr12:111,418,321, G>A. VCF-style: chr12-111418321-G-A. GRCh37 (hg19) VCF-style: chr12-111856125-G-A.
Other names: short protein forms R59H.
Identifiers: ClinVar variation 4826783 (VCV004826783.1).

ClinVar aggregate classification (germline): Uncertain significance (1 of 4 stars; one submission).

Conditions:
Inborn genetic diseases. Identifiers: MedGen C0950123, MeSH D030342.

Submission:

Ambry Genetics
Classification: Uncertain significance for Inborn genetic diseases. Last evaluated: 2026-03-11. Review status: criteria provided, single submitter. Criteria: Ambry Variant Classification Scheme 2023. Collection method: clinical testing. Allele origin: germline.
Comment: The p.R59H variant (also known as c.176G>A), located in coding exon 1 of the SH2B3 gene, results from a G to A substitution at nucleotide position 176. The arginine at codon 59 is replaced by histidine, an amino acid with highly similar properties. This amino acid position is conserved. In addition, this alteration is predicted to be tolerated by in silico analysis. Based on the available evidence, the clinical significance of this variant remains unclear.